The following is an entry in ClinVar:

NM_003640.5(ELP1):c.905C>T (p.Ala302Val)

Gene: ELP1 (elongator acetyltransferase complex subunit 1; minus strand). Cytogenetic location: 9q31.3.
Variant type: single nucleotide variant.
Coding change: c.905C>T on transcript NM_003640.5 (MANE Select); coding-DNA position 905, C replaced by T.
Protein change: p.Ala302Val; replaces alanine 302 with valine.
Molecular consequence: missense variant. On other transcripts: 5 prime UTR variant (1).
Genome position (GRCh38, 1-based): chr9:108,916,257, G>A on the plus strand (C>T on the coding strand, the complement: ELP1 is on the minus strand). VCF-style: chr9-108916257-G-A. GRCh37 (hg19) VCF-style: chr9-111678537-G-A.
Other names: c.563C>T, p.Ala188Val (NM_001318360.2); c.-143C>T (NM_001330749.2); short protein forms A188V, A302V.
Identifiers: ClinVar variation 4759286 (VCV004759286.1).

ClinVar aggregate classification (germline): Uncertain significance (1 of 4 stars; one submission).

Conditions:
ELP1-Associated Medulloblastoma. Identifiers: MedGen C5670652.

gnomAD v4.1: 13 of 1,614,134 alleles (0.00081%); highest among the groups gnomAD compares: Non-Finnish European, 0.0011%; no homozygotes.

Submission:

Institute for Genomic Medicine (IGM) Clinical Laboratory, Nationwide Children's Hospital
Classification: Uncertain significance for ELP1-Associated Medulloblastoma. Last evaluated: 2022-10-25. Review status: criteria provided, single submitter. Criteria: ACMG Guidelines, 2015. Collection method: clinical testing. Allele origin: germline.
Comment: This variant is absent from or present at an exceedingly low frequency in gnomAD, a large-scale control population database (ACMG/AMP: PM2). This variant is predicted to be tolerated by multiple in silico tools (ACMG/AMP: BP4).